The following is an entry in ClinVar:

ClinVar aggregate classification (germline): Pathogenic. Review status: criteria provided, multiple submitters, no conflicts (2 of 4 stars). 13 submissions from 13 submitters: Pathogenic (11). 2 of the submissions do not count toward it. Last evaluated 2025-12-14.

Conditions:
PAH-related disorder. Also called: PAH-related condition.
Inborn genetic diseases. Identifiers: MedGen C0950123, MeSH D030342.
Phenylketonuria (PKU). Also called: FOLLING DISEASE; Phenylketonurias; OLIGOPHRENIA PHENYLPYRUVICA; Phenylketonuria (PKU). Identifiers: Orphanet 716, MedGen C0031485, MONDO:0009861, OMIM 261600. Disease mechanism: loss of function.

Allele frequency attached by ClinVar (database versions not stated): gnomAD 0.00003; ExAC 0.00005; gnomAD exomes 0.00005 and 0.00007; TOPMed 0.00005.
gnomAD v4.1: 78 of 1,614,034 alleles (0.0048%); highest among the groups gnomAD compares: Admixed American, 0.017%; no homozygotes.

Submissions (13):

Labcorp Genetics (formerly Invitae), Labcorp
Classification: Pathogenic for Phenylketonuria. Last evaluated: 2025-12-14. Review status: criteria provided, single submitter. Criteria: Invitae Variant Classification Sherloc (09022015). Collection method: clinical testing. Allele origin: germline.
Comment: This sequence change falls in intron 1 of the PAH gene. It does not directly change the encoded amino acid sequence of the PAH protein. It affects a nucleotide within the consensus splice site. This variant is present in population databases (rs62514895, gnomAD 0.02%). This variant has been observed in individuals with phenylketonuria or hyperphenylalaninemia (PMID: 24368688, 24941924; internal data). ClinVar contains an entry for this variant (Variation ID: 102751). Variants that disrupt the consensus splice site are a relatively common cause of aberrant splicing (PMID: 17576681, 9536098). Algorithms developed to predict the effect of sequence changes on RNA splicing suggest that this variant may disrupt the consensus splice site. For these reasons, this variant has been classified as Pathogenic.

Natera, Inc.
Classification: Pathogenic for Phenylketonuria. Last evaluated: 2025-07-28. Review status: criteria provided, single submitter. Criteria: Natera Variant Classification Schema (03/2026). Collection method: clinical testing. Allele origin: germline.
Comment: The c.60+5G>T variant in PAH is an intronic variant located outside the canonical splice sites. This variant is rare in the general population with a frequency below the threshold expected for the associated phenotype(s). This variant has been observed in one or more individuals affected with the associated recessive disease, as either homozygous or compound heterozygous with a second variant (PMID: 34828281, 22841515). Computational prediction algorithms indicate this variant is likely to affect gene or protein function. Given the available evidence, this variant is classified as Pathogenic.

Mayo Clinic Laboratories, Mayo Clinic
Classification: Pathogenic. Last evaluated: 2024-07-02. Review status: criteria provided, single submitter. Criteria: ACMG Guidelines, 2015. Collection method: clinical testing. Allele origin: germline. Observed: 4 variant alleles.
Comment: PP3

Revvity Omics, Revvity
Classification: Pathogenic for Phenylketonuria. Last evaluated: 2024-02-20. Review status: criteria provided, single submitter. Criteria: ACMG Guidelines, 2015. Collection method: clinical testing. Allele origin: germline.

GeneDx
Classification: Pathogenic. Last evaluated: 2023-10-13. Review status: criteria provided, single submitter. Criteria: GeneDx Variant Classification Process June 2021. Collection method: clinical testing. Allele origin: germline. Affected: yes.
Comment: Reduces the quality of the splice donor site in intron 1, and is expected to cause abnormal gene splicing (PMID: 24941924); In silico analysis is inconclusive as to whether the variant alters gene splicing. In the absence of RNA/functional studies, the actual effect of this sequence change is unknown.; This variant is associated with the following publications: (PMID: 25596310, 24368688, 23430918, 34828281, 25525159, 27121329, 18937047, 17935162, 17443661, 15171997, 23792259, 22112818, 20188615, 11180595, 10598814, 9399896, 31589614, 32778825, 32668217, 22841515, 24941924, 23514811, 8406445)

PreventionGenetics, part of Exact Sciences
Classification: Pathogenic for PAH-related condition. Last evaluated: 2022-09-08. Review status: criteria provided, single submitter. Criteria: ACMG Guidelines, 2015. Collection method: clinical testing. Allele origin: germline.
Comment: The PAH c.60+5G>T variant is predicted to interfere with splicing. This sequence variant, which lies near the junction of exon 1 and intron 1, has been reported as causative for phenylalanine hydroxylase deficiency (e.g., Guldberg et al. 1993. PubMed ID: 8406445, referred to as IVS-1nt5(g-->t); Vela-Amieva et al. 2015. PubMed ID: 24941924). Available splicing prediction programs predict that this variant would weaken the canonical splice donor site at this location (Alamut Visual v2.11), although to our knowledge this prediction has not been confirmed with functional studies. In the BioPKU database, the c.60+5G>T variant has been reported to have a severe phenotypic effect and is listed as a variant associated with classic phenylketonuria (PKU) (see the PAHvdb page at an online resource). This variant is reported in 0.023% of alleles in individuals of Latino descent in gnomAD, which is consistent with it being reported as a founder variant in the Mexican population (Vela-Amieva et al. 2021. PubMed ID: 34828281). Multiple independent submitters to ClinVar interpret this variant as pathogenic. Based on the collective evidence, this variant is interpreted as pathogenic.

CeGaT Center for Human Genetics Tuebingen
Classification: Pathogenic. Last evaluated: 2021-10-01. Review status: criteria provided, single submitter. Criteria: CeGaT Center For Human Genetics Tuebingen Variant Classification Criteria Version 2. Collection method: clinical testing. Allele origin: germline. Affected: yes. Observed: 2 variant alleles.

Women's Health and Genetics/Laboratory Corporation of America, LabCorp
Classification: Pathogenic for Phenylketonuria. Last evaluated: 2019-12-13. Review status: criteria provided, single submitter. Criteria: LabCorp Variant Classification Summary - May 2015. Collection method: clinical testing. Allele origin: germline.
Comment: Variant summary: PAH c.60+5G>T alters a non-conserved nucleotide located close to a canonical splice site and therefore could affect mRNA splicing, leading to a significantly altered protein sequence. Several computational tools predict a significant impact on normal splicing: Five predict the variant weakens a 5' donor site. However, these predictions have yet to be confirmed by functional studies. The variant allele was found at a frequency of 7.2e-05 in 251412 control chromosomes (gnomAD). This frequency is not higher than expected for a pathogenic variant in PAH causing Phenylalanine Hydroxylase Deficiency (Phenylketonuria) (7.2e-05 vs 0.0079), allowing no conclusion about variant significance. c.60+5G>T has been reported in the literature in multiple individuals affected with Phenylalanine Hydroxylase Deficiency (Phenylketonuria) (Sarkissian_2011, Bueno_2013). These data indicate that the variant is very likely to be associated with disease. PAH activity in vitro was null according to PAHdb via Bueno_2013. Four ClinVar submitters (evaluation after 2014) cite the variant as pathogenic. Based on the evidence outlined above, the variant was classified as pathogenic.

Quest Diagnostics Nichols Institute San Juan Capistrano
Classification: Pathogenic. Last evaluated: 2018-03-11. Review status: criteria provided, single submitter. Criteria: Quest Diagnostics criteria. Collection method: clinical testing. Allele origin: germline.

Eurofins Ntd Llc (ga)
Classification: Pathogenic. Last evaluated: 2014-11-06. Review status: criteria provided, single submitter. Criteria: EGL Classification Definitions 2015. Collection method: clinical testing. Allele origin: germline. Observed: 6 variant alleles, 5 heterozygotes, 1 homozygote.

Ambry Genetics
Classification: Pathogenic for Inborn genetic diseases. Last evaluated: 2014-09-07. Review status: criteria provided, single submitter. Criteria: Ambry exome assertion method (8-5-2015). Collection method: clinical testing. Allele origin: germline. Affected: yes. Observed: 1 variant allele.

Counsyl
Classification: Pathogenic for Phenylketonuria. Last evaluated: 2017-03-14. Review status: no assertion criteria provided. Collection method: clinical testing. Allele origin: unknown. Not counted in ClinVar's aggregate classification.

DeBelle Laboratory for Biochemical Genetics, MUHC/MCH RESEARCH INSTITUTE
No classification provided. Review status: no classification provided. Collection method: not provided. Allele origin: not provided. Not counted in ClinVar's aggregate classification.

Literature cited by the submitters: PubMed 24368688 (cited by Labcorp Genetics (formerly Invitae), Labcorp and Mayo Clinic Laboratories, Mayo Clinic); PubMed 24941924 (cited by Labcorp Genetics (formerly Invitae), Labcorp and Mayo Clinic Laboratories, Mayo Clinic); PubMed 17576681 (cited by Labcorp Genetics (formerly Invitae), Labcorp); PubMed 9536098 (cited by Labcorp Genetics (formerly Invitae), Labcorp); PubMed 34828281 (cited by Natera, Inc. and Mayo Clinic Laboratories, Mayo Clinic); PubMed 22841515 (cited by 3 submitters); PubMed 11180595 (cited by Mayo Clinic Laboratories, Mayo Clinic and Counsyl); PubMed 20188615 (cited by Mayo Clinic Laboratories, Mayo Clinic and Eurofins Ntd Llc (ga)); PubMed 22112818 (cited by Mayo Clinic Laboratories, Mayo Clinic and Counsyl); PubMed 23430918 (cited by 4 submitters); PubMed 23514811 (cited by 4 submitters); PubMed 32668217 (cited by Mayo Clinic Laboratories, Mayo Clinic); PubMed 8406445 (cited by 3 submitters); PubMed 10598814 (cited by Counsyl); PubMed 18937047 (cited by Counsyl); PubMed 25525159 (cited by Counsyl).

NM_000277.3(PAH):c.60+5G>T

Gene: PAH (phenylalanine hydroxylase; minus strand). Cytogenetic location: 12q23.2.
Variant type: single nucleotide variant.
Coding change: c.60+5G>T on transcript NM_000277.3 (MANE Select); 5 bases into the intron after coding-DNA position 60, G replaced by T.
Molecular consequence: intron variant.
Genome position (GRCh38, 1-based): chr12:102,917,066, C>A on the plus strand (G>T on the coding strand, the complement: PAH is on the minus strand). VCF-style: chr12-102917066-C-A. GRCh37 (hg19) VCF-style: chr12-103310844-C-A.
Other names: c.60+5G>T (NM_001354304.2, NM_000277.2).
Identifiers: ClinVar variation 102751 (VCV000102751.69), dbSNP rs62514895, ClinGen allele CA274903.